The following is an entry in ClinVar:

ClinVar aggregate classification (germline): Uncertain significance (1 of 4 stars; one submission).

Conditions:
Hypertrophic cardiomyopathy. Also called: HYPERTROPHIC MYOCARDIOPATHY. Identifiers: Orphanet 217569, MedGen C0007194, MeSH D002312, MONDO:0005045, HP:0001639.

Allele frequency attached by ClinVar (database versions not stated): gnomAD exomes below 0.00001.
gnomAD v4.1: 4 of 1,563,386 alleles (0.00026%); highest among the groups gnomAD compares: Middle Eastern, 0.017%; no homozygotes.

Submission:

All of Us Research Program, National Institutes of Health
Classification: Uncertain significance for Hypertrophic cardiomyopathy. Last evaluated: 2023-05-04. Review status: criteria provided, single submitter. Criteria: ACMG Guidelines, 2015. Collection method: clinical testing. Allele origin: germline. Inheritance: Autosomal dominant inheritance. Observed: 1 variant allele, 1 heterozygote.
Comment: This variant causes an A to G nucleotide substitution at the -15 position of intron 27 of the MYBPC3 gene. To our knowledge, functional studies have not been reported for this variant. This variant has not been reported in individuals affected with MYBPC3-related disorders in the literature. This variant has not been identified in the general population by the Genome Aggregation Database (gnomAD). The available evidence is insufficient to determine the role of this variant in disease conclusively. Therefore, this variant is classified as a Variant of Uncertain Significance.

This study involves interpretation of variants in research participants for the purpose of population health screening. Participant phenotype was not available at the time of variant classification. Additional details can be found in publication PMID: 35346344, PMCID: PMC8962531

NM_000256.3(MYBPC3):c.2906-15A>G

Gene: MYBPC3 (myosin binding protein C3; minus strand). Cytogenetic location: 11p11.2.
Variant type: single nucleotide variant.
Coding change: c.2906-15A>G on transcript NM_000256.3 (MANE Select); 15 bases into the intron before coding-DNA position 2906, A replaced by G.
Molecular consequence: intron variant.
Genome position (GRCh38, 1-based): chr11:47,334,025, T>C on the plus strand (A>G on the coding strand, the complement: MYBPC3 is on the minus strand). VCF-style: chr11-47334025-T-C. GRCh37 (hg19) VCF-style: chr11-47355576-T-C.
Identifiers: ClinVar variation 3070815 (VCV003070815.1), dbSNP rs2495742915, ClinGen allele CA2613394571.